The following is an entry in ClinVar:

ClinVar aggregate classification (germline): Likely benign. Review status: criteria provided, single submitter (1 of 4 stars). 2 submissions from 2 submitters: Likely benign (1). 1 of the submissions does not count toward it. Last evaluated 2024-11-19.

Conditions:
CRBN-related disorder. Also called: CRBN-related condition.

Allele frequency attached by ClinVar (database versions not stated): gnomAD 0.00001; gnomAD exomes 0.00001; TOPMed 0.00001; ExAC 0.00002.
gnomAD v4.1: 10 of 1,613,562 alleles (0.00062%); highest among the groups gnomAD compares: African/African-American, 0.0027%; no homozygotes.

Submissions (2):

Blueprint Genetics
Classification: Likely benign. Last evaluated: 2024-11-19. Review status: criteria provided, single submitter. Criteria: ACMG Guidelines, 2015. Collection method: clinical testing. Allele origin: germline.

PreventionGenetics, part of Exact Sciences
Classification: Likely benign for CRBN-related condition. Last evaluated: 2019-03-06. Review status: no assertion criteria provided. Collection method: clinical testing. Allele origin: germline. Not counted in ClinVar's aggregate classification.
Comment: This variant is classified as likely benign based on ACMG/AMP sequence variant interpretation guidelines (Richards et al. 2015 PMID: 25741868, with internal and published modifications).

NM_016302.4(CRBN):c.594A>G (p.Gln198=)

Gene: CRBN (cereblon; minus strand). Cytogenetic location: 3p26.2.
Variant type: single nucleotide variant.
Coding change: c.594A>G on transcript NM_016302.4 (MANE Select); coding-DNA position 594, A replaced by G.
Protein change: p.Gln198=; no amino-acid change (glutamine 198 retained).
Molecular consequence: synonymous variant.
Genome position (GRCh38, 1-based): chr3:3,167,727, T>C on the plus strand (A>G on the coding strand, the complement: CRBN is on the minus strand). VCF-style: chr3-3167727-T-C. GRCh37 (hg19) VCF-style: chr3-3209411-T-C.
Other names: c.591A>G, p.Gln197= (NM_001173482.1).
Identifiers: ClinVar variation 3045564 (VCV003045564.3), dbSNP rs778178677, ClinGen allele CA2229234.